The following is an entry in ClinVar:

ClinVar aggregate classification (germline): Uncertain significance (1 of 4 stars; one submission).

Conditions:
Mitochondrial trifunctional protein deficiency. Identifiers: Orphanet 746, MedGen C1969443, MONDO:0012172.

Allele frequency attached by ClinVar (database versions not stated): TOPMed 0.00001; ExAC 0.00002.

Submission:

Labcorp Genetics (formerly Invitae), Labcorp
Classification: Uncertain significance for Mitochondrial trifunctional protein deficiency. Last evaluated: 2022-06-19. Review status: criteria provided, single submitter. Criteria: Invitae Variant Classification Sherloc (09022015). Collection method: clinical testing. Allele origin: germline.
Comment: In summary, the available evidence is currently insufficient to determine the role of this variant in disease. Therefore, it has been classified as a Variant of Uncertain Significance. Algorithms developed to predict the effect of missense changes on protein structure and function (SIFT, PolyPhen-2, Align-GVGD) all suggest that this variant is likely to be disruptive. This variant has not been reported in the literature in individuals affected with HADHB-related conditions. This variant is present in population databases (rs759277349, gnomAD 0.006%). This sequence change replaces proline, which is neutral and non-polar, with serine, which is neutral and polar, at codon 130 of the HADHB protein (p.Pro130Ser).

NM_000183.3(HADHB):c.388C>T (p.Pro130Ser)

Gene: HADHB (hydroxyacyl-CoA dehydrogenase trifunctional multienzyme complex subunit beta; plus strand). Cytogenetic location: 2p23.3.
Variant type: single nucleotide variant.
Coding change: c.388C>T on transcript NM_000183.3 (MANE Select); coding-DNA position 388, C replaced by T.
Protein change: p.Pro130Ser; replaces proline 130 with serine.
Molecular consequence: missense variant.
Genome position (GRCh38, 1-based): chr2:26,277,106, C>T. VCF-style: chr2-26277106-C-T. GRCh37 (hg19) VCF-style: chr2-26499974-C-T.
Other names: c.343C>T, p.Pro115Ser (NM_001281512.2); c.322C>T, p.Pro108Ser (NM_001281513.2); short protein forms P115S, P108S, P130S.
Identifiers: ClinVar variation 2142111 (VCV002142111.2), dbSNP rs759277349, ClinGen allele CA1560204.